The following is an entry in ClinVar:

NM_003470.3(USP7):c.901C>G (p.Arg301Gly)

Gene: USP7 (ubiquitin specific peptidase 7; minus strand). Cytogenetic location: 16p13.2.
Variant type: single nucleotide variant.
Coding change: c.901C>G on transcript NM_003470.3 (MANE Select); coding-DNA position 901, C replaced by G.
Protein change: p.Arg301Gly; replaces arginine 301 with glycine.
Molecular consequence: missense variant. On other transcripts: non-coding transcript variant (1).
Genome position (GRCh38, 1-based): chr16:8,916,507, G>C on the plus strand (C>G on the coding strand, the complement: USP7 is on the minus strand). VCF-style: chr16-8916507-G-C. GRCh37 (hg19) VCF-style: chr16-9010364-G-C.
Other names: c.853C>G, p.Arg285Gly (NM_001286457.2); c.604C>G, p.Arg202Gly (NM_001286458.2); c.727C>G, p.Arg243Gly (NM_001321858.2); short protein forms R202G, R243G, R285G, R301G.
Identifiers: ClinVar variation 2633153 (VCV002633153.1), dbSNP rs763721668, ClinGen allele CA394703716.

ClinVar aggregate classification (germline): Likely pathogenic (1 of 4 stars; one submission).

Conditions:
USP7-related disorder. Also called: USP7-related condition.

Submission:

PreventionGenetics, part of Exact Sciences
Classification: Likely pathogenic for USP7-related condition. Last evaluated: 2023-05-10. Review status: criteria provided, single submitter. Criteria: ACMG Guidelines, 2015. Collection method: clinical testing. Allele origin: germline.
Comment: The USP7 c.901C>G variant is predicted to result in the amino acid substitution p.Arg301Gly. To our knowledge, this variant has not been reported in the literature or in a large population database, indicating this variant is rare. De novo missense variants in USP7 have been reported in patients neurodevelopmental phenotypes, dysmorphic features, and brain anomalies (see, for example, Zheng et al. 2022. PubMed ID: 36466803; Fountain et al. 2019. PubMed ID: 30679821). This variant is interpreted as likely pathogenic.